The following is an entry in ClinVar:

NM_007294.4(BRCA1):c.161A>C (p.Gln54Pro)

Gene: BRCA1 (BRCA1 DNA repair associated; minus strand). Cytogenetic location: 17q21.31.
Variant type: single nucleotide variant.
Coding change: c.161A>C on transcript NM_007294.4 (MANE Select); coding-DNA position 161, A replaced by C.
Protein change: p.Gln54Pro; replaces glutamine 54 with proline.
Molecular consequence: missense variant. On other transcripts: non-coding transcript variant (1).
Genome position (GRCh38, 1-based): chr17:43,106,507, T>G on the plus strand (A>C on the coding strand, the complement: BRCA1 is on the minus strand). VCF-style: chr17-43106507-T-G. GRCh37 (hg19) VCF-style: chr17-41258524-T-G.
Other names: c.161A>C, p.Gln54Pro (NM_001407632.1, NM_001407633.1, NM_001407634.1 and 168 more transcripts); c.20A>C, p.Gln7Pro (NM_001407692.1, NM_001407694.1, NM_001407695.1 and 99 more transcripts); c.-28A>C (NM_001407853.1, NM_001407879.1, NM_001407881.1 and 58 more transcripts); short protein forms Q54P, Q7P.
Identifiers: ClinVar variation 868235 (VCV000868235.3), dbSNP rs397507189, ClinGen allele CA10601835.
Genomic context (GRCh38, chr17:43,106,507, plus strand): 5'-ATTATATACCTTTTGGTTATATCATTCTTACATAAAGGACACTGTGAAGGCCCTTTCTTC[T>G]GGTTGAGAAGTTTCAGCATGCAAAATCTATAAATTATAAAGAAAGAAAGAACAATTTAAT-3'
Protein context (NP_009225.1, residues 44-64): CKFCMLKLLN[Gln54Pro]KKGPSQCPLC

Conditions:
Breast-ovarian cancer, familial, susceptibility to, 1 (BROVCA1). Also called: BRCA1 Hereditary Breast and Ovarian Cancer; OVARIAN CANCER, SUSCEPTIBILITY TO. Identifiers: Orphanet 145, MedGen C2676676, MONDO:0011450, OMIM 604370. Disease mechanism: loss of function.

Submission:

Brotman Baty Institute, University of Washington
No classification provided (evidence only). Condition: Breast-ovarian cancer, familial 1. Review status: no classification provided. Collection method: in vitro. Allele origin: not applicable. Functional consequence: functionally_normal.
ClinVar note: "not provided" was previously submitted as the classification for the variant. However, the classification appeared to be based only on an observation of functional data so it was converted to no classification on 2025-07-30.